The following is an entry in ClinVar:

NM_172107.4(KCNQ2):c.1888-1G>A

Gene: KCNQ2 (potassium voltage-gated channel subfamily Q member 2; minus strand). Cytogenetic location: 20q13.33.
Variant type: single nucleotide variant.
Coding change: c.1888-1G>A on transcript NM_172107.4 (MANE Select); the canonical splice acceptor site of the intron before coding-DNA position 1888, G replaced by A.
Molecular consequence: splice acceptor variant.
Genome position (GRCh38, 1-based): chr20:63,407,376, C>T on the plus strand (G>A on the coding strand, the complement: KCNQ2 is on the minus strand). VCF-style: chr20-63407376-C-T. GRCh37 (hg19) VCF-style: chr20-62038729-C-T.
Other names: c.1804-1G>A (NM_004518.6); c.1795-1G>A (NM_172108.5); c.1834-1G>A (NM_172106.3); c.1942-1G>A (NM_001382235.1).
Identifiers: ClinVar variation 1023133 (VCV001023133.10), dbSNP rs2079980924, ClinGen allele CA409639636.

ClinVar aggregate classification (germline): Uncertain significance (1 of 4 stars; one submission).

Conditions:
Early-infantile DEE. Also called: Ohtahara syndrome; Early infantile epileptic encephalopathy; Early infantile epileptic encephalopathy with suppression bursts. Identifiers: Orphanet 1934, MedGen C0393706, MONDO:0800491.

Submission:

Labcorp Genetics (formerly Invitae), Labcorp
Classification: Uncertain significance for Early-infantile DEE. Last evaluated: 2021-04-12. Review status: criteria provided, single submitter. Criteria: Invitae Variant Classification Sherloc (09022015). Collection method: clinical testing. Allele origin: germline.
Comment: In summary, the available evidence is currently insufficient to determine the role of this variant in disease. Therefore, it has been classified as a Variant of Uncertain Significance. This variant has been observed in individual(s) with clinical features of KCNQ2-related conditions (PMID: 30977854, Invitae). This variant is not present in population databases (ExAC no frequency). This sequence change affects an acceptor splice site in the last intron (intron 16) of the KCNQ2 gene. While this is not anticipated to result in nonsense mediated decay, it likely alters RNA splicing and results in a disrupted protein product.

Literature cited by the submitters: PubMed 30977854.